The following is an entry in ClinVar:

ClinVar aggregate classification (germline): Likely benign (1 of 4 stars; one submission).

gnomAD v4.1: 3 of 1,613,870 alleles (0.00019%); highest among the groups gnomAD compares: Non-Finnish European, 0.00017%; no homozygotes.

Submission:

CeGaT Center for Human Genetics Tuebingen
Classification: Likely benign. Last evaluated: 2025-12-01. Review status: criteria provided, single submitter. Criteria: CeGaT Center For Human Genetics Tuebingen Variant Classification Criteria Version 2. Collection method: clinical testing. Allele origin: germline. Affected: yes. Observed: 1 variant allele.
Comment: SACS: BP4, BP7

NM_014363.6(SACS):c.8475C>T (p.Gly2825=)

Gene: SACS (sacsin molecular chaperone; minus strand). Cytogenetic location: 13q12.12.
Variant type: single nucleotide variant.
Coding change: c.8475C>T on transcript NM_014363.6 (MANE Select); coding-DNA position 8475, C replaced by T.
Protein change: p.Gly2825=; no amino-acid change (glycine 2825 retained).
Molecular consequence: synonymous variant.
Genome position (GRCh38, 1-based): chr13:23,335,401, G>A on the plus strand (C>T on the coding strand, the complement: SACS is on the minus strand). VCF-style: chr13-23335401-G-A. GRCh37 (hg19) VCF-style: chr13-23909540-G-A.
Other names: c.8034C>T, p.Gly2678= (NM_001278055.2); c.8502C>T, p.Gly2834= (NM_001437336.1).
Identifiers: ClinVar variation 4681678 (VCV004681678.5).